The following is an entry in ClinVar:

NM_199242.3(UNC13D):c.2349G>C (p.Glu783Asp)

Gene: UNC13D (unc-13 homolog D; minus strand). Cytogenetic location: 17q25.1.
Variant type: single nucleotide variant.
Coding change: c.2349G>C on transcript NM_199242.3 (MANE Select); coding-DNA position 2349, G replaced by C.
Protein change: p.Glu783Asp; replaces glutamic acid 783 with aspartic acid.
Molecular consequence: missense variant.
Genome position (GRCh38, 1-based): chr17:75,834,093, C>G on the plus strand (G>C on the coding strand, the complement: UNC13D is on the minus strand). VCF-style: chr17-75834093-C-G. GRCh37 (hg19) VCF-style: chr17-73830174-C-G.
Other names: short protein forms E783D.
Identifiers: ClinVar variation 2887752 (VCV002887752.3), dbSNP rs1335182864, ClinGen allele CA401087481.

ClinVar aggregate classification (germline): Uncertain significance (1 of 4 stars; one submission).

Conditions:
Familial hemophagocytic lymphohistiocytosis 3 (FHL3). Also called: UNC13D-Related Familial Hemophagocytic Lymphohistiocytosis (UNC13D-fHLH). Identifiers: Orphanet 540, MedGen C1837174, MONDO:0012146, OMIM 608898.

Allele frequency attached by ClinVar (database versions not stated): gnomAD 0.00001; TOPMed 0.00003.
gnomAD v4.1: 6 of 1,613,200 alleles (0.00037%); highest among the groups gnomAD compares: African/African-American, 0.0067%; no homozygotes.

Submission:

Labcorp Genetics (formerly Invitae), Labcorp
Classification: Uncertain significance for Familial hemophagocytic lymphohistiocytosis 3. Last evaluated: 2023-08-03. Review status: criteria provided, single submitter. Criteria: Invitae Variant Classification Sherloc (09022015). Collection method: clinical testing. Allele origin: germline.
Comment: In summary, the available evidence is currently insufficient to determine the role of this variant in disease. Therefore, it has been classified as a Variant of Uncertain Significance. Advanced modeling of protein sequence and biophysical properties (such as structural, functional, and spatial information, amino acid conservation, physicochemical variation, residue mobility, and thermodynamic stability) performed at Invitae indicates that this missense variant is not expected to disrupt UNC13D protein function. This variant has not been reported in the literature in individuals affected with UNC13D-related conditions. This variant is present in population databases (no rsID available, gnomAD 0.01%). This sequence change replaces glutamic acid, which is acidic and polar, with aspartic acid, which is acidic and polar, at codon 783 of the UNC13D protein (p.Glu783Asp).